The following is an entry in ClinVar:

ClinVar aggregate classification (germline): Likely benign (1 of 4 stars; one submission).

Conditions:
Familial hypercholesterolemia. Also called: Familial hypercholesterolemias; Familial hypercholesterolaemia. Identifiers: MedGen C0020445, MONDO:0005439.

Submission:

GENinCode PLC
Classification: Likely benign for Familial hypercholesterolemia. Last evaluated: 2025-10-07. Review status: criteria provided, single submitter. Criteria: ACMG Guidelines, 2015. Collection method: clinical testing. Allele origin: germline.
Comment: This is a synonymous (silent) variant that is not predicted to impact splicing and occurs at a nucleotide which is not highly conserved. This variant has been classified as Likely Benign (BP4, BP7).

NM_000384.3(APOB):c.7479C>A (p.Ile2493=)

Gene: APOB (apolipoprotein B; minus strand). Cytogenetic location: 2p24.1.
Variant type: single nucleotide variant.
Coding change: c.7479C>A on transcript NM_000384.3 (MANE Select); coding-DNA position 7479, C replaced by A.
Protein change: p.Ile2493=; no amino-acid change (isoleucine 2493 retained).
Molecular consequence: synonymous variant.
Genome position (GRCh38, 1-based): chr2:21,009,389, G>T on the plus strand (C>A on the coding strand, the complement: APOB is on the minus strand). VCF-style: chr2-21009389-G-T. GRCh37 (hg19) VCF-style: chr2-21232261-G-T.
Identifiers: ClinVar variation 4888247 (VCV004888247.1).
Genomic context (GRCh38, chr2:21,009,389, plus strand): 5'-TCGGAATTTGGCCTTCATGTGAGCCAAAGATGCTGAACTTAAAGCCTCCTGTAACCAATT[G>T]ATGATTAAGGTTATTTTGGTGTCCTGTAGGCTTTCCAGATACACTGCAACTGTGGCCTTG-3'
Protein context (NP_000375.3, residues 2483-2503): SLQDTKITLI[Ile2493=]NWLQEALSSA